The following is an entry in ClinVar:

ClinVar aggregate classification (germline): Uncertain significance (1 of 4 stars; one submission).

Conditions:
Leber congenital amaurosis 8 (LCA8). Identifiers: Orphanet 65, MedGen C3151202, MONDO:0013453, OMIM 613835.
Retinitis pigmentosa 12 (RP12). Also called: RP WITH OR WITHOUT PPRPE; RP WITH OR WITHOUT PRESERVED PARAARTERIOLE RETINAL PIGMENT EPITHELIUM; RETINITIS PIGMENTOSA WITH OR WITHOUT PARAARTERIOLAR PRESERVATION OF RETINAL PIGMENT EPITHELIUM. Identifiers: Orphanet 791, MedGen C1838647, MONDO:0010818, OMIM 600105.

Submission:

Labcorp Genetics (formerly Invitae), Labcorp
Classification: Uncertain significance for Leber congenital amaurosis 8; Retinitis pigmentosa 12. Last evaluated: 2025-07-15. Review status: criteria provided, single submitter. Criteria: Invitae Variant Classification Sherloc (09022015). Collection method: clinical testing. Allele origin: germline.
Comment: This sequence change replaces cysteine, which is neutral and slightly polar, with phenylalanine, which is neutral and non-polar, at codon 74 of the CRB1 protein (p.Cys74Phe). This variant is not present in population databases (gnomAD no frequency). This variant has not been reported in the literature in individuals affected with CRB1-related conditions. Invitae Evidence Modeling of protein sequence and biophysical properties (such as structural, functional, and spatial information, amino acid conservation, physicochemical variation, residue mobility, and thermodynamic stability) indicates that this missense variant is expected to disrupt CRB1 protein function with a positive predictive value of 95%. In summary, the available evidence is currently insufficient to determine the role of this variant in disease. Therefore, it has been classified as a Variant of Uncertain Significance.

NM_201253.3(CRB1):c.221G>T (p.Cys74Phe)

Gene: CRB1 (crumbs cell polarity complex component 1; plus strand). Cytogenetic location: 1q31.3.
Variant type: single nucleotide variant.
Coding change: c.221G>T on transcript NM_201253.3 (MANE Select); coding-DNA position 221, G replaced by T.
Protein change: p.Cys74Phe; replaces cysteine 74 with phenylalanine.
Molecular consequence: missense variant. On other transcripts: non-coding transcript variant (2).
Genome position (GRCh38, 1-based): chr1:197,328,572, G>T. VCF-style: chr1-197328572-G-T. GRCh37 (hg19) VCF-style: chr1-197297702-G-T.
Other names: c.221G>T, p.Cys74Phe (NM_001193640.2, NM_001257966.2); c.14G>T, p.Cys5Phe (NM_001257965.2); short protein forms C5F, C74F.
Identifiers: ClinVar variation 4789264 (VCV004789264.1).